The following is an entry in ClinVar:

NM_005589.4(ALDH6A1):c.1456G>A (p.Gly486Ser)

Genes: ALDH6A1 (aldehyde dehydrogenase 6 family member A1; minus strand), BBOF1 (basal body orientation factor 1; plus strand). Cytogenetic location: 14q24.3.
Variant type: single nucleotide variant.
Coding change: c.1456G>A on transcript NM_005589.4 (MANE Select); coding-DNA position 1456, G replaced by A.
Protein change: p.Gly486Ser; replaces glycine 486 with serine.
Molecular consequence: missense variant. On other transcripts: 3 prime UTR variant (1).
Genome position (GRCh38, 1-based): chr14:74,064,869, C>T on the plus strand (G>A on the coding strand, the complement: ALDH6A1 is on the minus strand). VCF-style: chr14-74064869-C-T. GRCh37 (hg19) VCF-style: chr14-74531572-C-T.
Other names: c.1417G>A, p.Gly473Ser (NM_001278593.2); c.994G>A, p.Gly332Ser (NM_001278594.2); c.*170C>T (NM_025057.3); short protein forms G473S, G486S, G332S.
Identifiers: ClinVar variation 2367940 (VCV002367940.4), dbSNP rs368853422, ClinGen allele CA7265614.
Genomic context (GRCh38, chr14:74,064,869, plus strand): 5'-ACTCAAAAGTTACCTGTTTGCCATAGAAATTGGTGTCTCCCCTGAAGGAGGATCGAGAGC[C>T]GGTGAATGAGAACATTGGCAAAGGCACTGGAATGGGGACATTCACTCCCACCTAAAACAG-3'
Protein context (NP_005580.1, residues 476-496): PVPLPMFSFT[Gly486Ser]SRSSFRGDTN

ClinVar aggregate classification (germline): Uncertain significance. Review status: criteria provided, multiple submitters, no conflicts (2 of 4 stars). 2 submissions from 2 submitters: Uncertain significance (2). Last evaluated 2024-06-01.

Conditions:
Inborn genetic diseases. Identifiers: MedGen C0950123, MeSH D030342.

Allele frequency attached by ClinVar (database versions not stated): ESP Exome Variant Server 0.00008.
gnomAD v4.1: 257 of 1,613,884 alleles (0.016%); highest among the groups gnomAD compares: South Asian, 0.059%; 1 homozygote.

Submissions (2):

Labcorp Genetics (formerly Invitae), Labcorp
Classification: Uncertain significance. Last evaluated: 2024-06-01. Review status: criteria provided, single submitter. Criteria: Invitae Variant Classification Sherloc (09022015). Collection method: clinical testing. Allele origin: germline.
Comment: This sequence change replaces glycine, which is neutral and non-polar, with serine, which is neutral and polar, at codon 486 of the ALDH6A1 protein (p.Gly486Ser). This variant is present in population databases (rs368853422, gnomAD 0.06%). This variant has not been reported in the literature in individuals affected with ALDH6A1-related conditions. ClinVar contains an entry for this variant (Variation ID: 2367940). Advanced modeling of protein sequence and biophysical properties (such as structural, functional, and spatial information, amino acid conservation, physicochemical variation, residue mobility, and thermodynamic stability) performed at Invitae indicates that this missense variant is expected to disrupt ALDH6A1 protein function with a positive predictive value of 95%. In summary, the available evidence is currently insufficient to determine the role of this variant in disease. Therefore, it has been classified as a Variant of Uncertain Significance.

Ambry Genetics
Classification: Uncertain significance for Inborn genetic diseases. Last evaluated: 2021-04-29. Review status: criteria provided, single submitter. Criteria: Ambry Variant Classification Scheme 2023. Collection method: clinical testing. Allele origin: germline.